The following is an entry in ClinVar:

ClinVar aggregate classification (germline): Uncertain significance (1 of 4 stars; one submission).

Conditions:
Developmental and epileptic encephalopathy, 1 (DEE1). Also called: X-linked infantile spasms; West's syndrome; Tonic spasms with clustering, arrest of psychomotor development and hypsarrhythmia on EEG; X-Linked Infantile Spasm Syndrome; OHTAHARA SYNDROME, X-LINKED; INFANTILE SPASM SYNDROME, X-LINKED 1. Identifiers: MedGen C3463992, MONDO:0010632, OMIM 308350. Disease mechanism: loss of function.
Autosomal recessive spinocerebellar ataxia 12. Also called: SPINOCEREBELLAR ATAXIA WITH MENTAL RETARDATION AND EPILEPSY. Identifiers: Orphanet 284282, MedGen C3280452, MONDO:0013687, OMIM 614322.

Submission:

Labcorp Genetics (formerly Invitae), Labcorp
Classification: Uncertain significance for Developmental and epileptic encephalopathy, 1; Autosomal recessive spinocerebellar ataxia 12. Last evaluated: 2023-12-21. Review status: criteria provided, single submitter. Criteria: Invitae Variant Classification Sherloc (09022015). Collection method: clinical testing. Allele origin: germline.
Comment: This sequence change replaces leucine, which is neutral and non-polar, with phenylalanine, which is neutral and non-polar, at codon 220 of the WWOX protein (p.Leu220Phe). This variant is present in population databases (no rsID available, gnomAD 0.007%). This variant has not been reported in the literature in individuals affected with WWOX-related conditions. Advanced modeling of protein sequence and biophysical properties (such as structural, functional, and spatial information, amino acid conservation, physicochemical variation, residue mobility, and thermodynamic stability) performed at Invitae indicates that this missense variant is not expected to disrupt WWOX protein function with a negative predictive value of 80%. In summary, the available evidence is currently insufficient to determine the role of this variant in disease. Therefore, it has been classified as a Variant of Uncertain Significance.

NM_016373.4(WWOX):c.658C>T (p.Leu220Phe)

Gene: WWOX (WW domain containing oxidoreductase; plus strand). Cytogenetic location: 16q23.1.
Variant type: single nucleotide variant.
Coding change: c.658C>T on transcript NM_016373.4 (MANE Select); coding-DNA position 658, C replaced by T.
Protein change: p.Leu220Phe; replaces leucine 220 with phenylalanine.
Molecular consequence: missense variant.
Genome position (GRCh38, 1-based): chr16:78,424,922, C>T. VCF-style: chr16-78424922-C-T. GRCh37 (hg19) VCF-style: chr16-78458819-C-T.
Other names: c.319C>T, p.Leu107Phe (NM_001291997.2); short protein forms L107F, L220F.
Identifiers: ClinVar variation 2944138 (VCV002944138.3), dbSNP rs770774574, ClinGen allele CA396842764.